The following is an entry in ClinVar:

ClinVar aggregate classification (germline): Benign/Likely benign. Review status: criteria provided, multiple submitters, no conflicts (2 of 4 stars). 8 submissions from 8 submitters: Benign (4); Likely benign (4). Last evaluated 2026-04-28.

Conditions:
Colorectal cancer, susceptibility to, 1. Also called: COLORECTAL ADENOMA AND CANCER, SUSCEPTIBILITY TO; COLORECTAL CANCER, SUSCEPTIBILITY TO, ON CHROMOSOME 9. Identifiers: MedGen C1837315, MONDO:0012132, OMIM 608812.

Allele frequency attached by ClinVar (database versions not stated): ExAC 0.00149; 1000 Genomes Project 30x 0.00312; 1000 Genomes Project 0.00319; gnomAD 0.00425 and 0.00465; TOPMed 0.00485; ESP Exome Variant Server 0.00554.
gnomAD v4.1: 1,265 of 1,614,088 alleles (0.078%); highest among the groups gnomAD compares: African/African-American, 1.4%; 6 homozygotes.

Submissions (8):

Myriad Genetics, Inc.
Classification: Benign for Colorectal cancer, susceptibility to, 1. Last evaluated: 2026-04-28. Review status: criteria provided, single submitter. Criteria: Myriad Autosomal Dominant, Autosomal Recessive and X-Linked Classification Criteria (2023). Collection method: clinical testing. Allele origin: unknown.
Comment: This variant is considered benign. This variant is a silent/synonymous amino acid change and it is not expected to impact splicing.

Labcorp Genetics (formerly Invitae), Labcorp
Classification: Benign. Last evaluated: 2026-01-28. Review status: criteria provided, single submitter. Criteria: Invitae Variant Classification Sherloc (09022015). Collection method: clinical testing. Allele origin: germline.

Quest Diagnostics Nichols Institute San Juan Capistrano
Classification: Benign. Last evaluated: 2025-08-22. Review status: criteria provided, single submitter. Criteria: Quest Diagnostics criteria. Collection method: clinical testing. Allele origin: unknown.

Blueprint Genetics
Classification: Likely benign. Last evaluated: 2024-11-21. Review status: criteria provided, single submitter. Criteria: ACMG Guidelines, 2015. Collection method: clinical testing. Allele origin: germline.

Department of Pathology and Laboratory Medicine, Sinai Health System
Classification: Benign for Colorectal cancer, susceptibility to, 1. Last evaluated: 2023-04-28. Review status: criteria provided, single submitter. Criteria: ACMG Guidelines, 2015. Collection method: clinical testing. Allele origin: germline. Affected: no.

GeneDx
Classification: Likely benign. Last evaluated: 2021-02-07. Review status: criteria provided, single submitter. Criteria: GeneDx Variant Classification Process June 2021. Collection method: clinical testing. Allele origin: germline. Affected: yes.

Ambry Genetics
Classification: Likely benign. Last evaluated: 2016-09-29. Review status: criteria provided, single submitter. Criteria: Ambry Variant Classification Scheme 2023. Collection method: clinical testing. Allele origin: germline.

Breakthrough Genomics
Classification: Likely benign. Review status: criteria provided, single submitter. Criteria: ACMG Guidelines, 2015. Collection method: not provided. Allele origin: germline. Inheritance: Unknown mechanism. Affected: yes.

Literature cited by the submitters: PubMed 36315513 (cited by Quest Diagnostics Nichols Institute San Juan Capistrano).

NM_024642.5(GALNT12):c.1677C>T (p.Phe559=)

Gene: GALNT12 (polypeptide N-acetylgalactosaminyltransferase 12; plus strand). Cytogenetic location: 9q22.33.
Variant type: single nucleotide variant.
Coding change: c.1677C>T on transcript NM_024642.5 (MANE Select); coding-DNA position 1677, C replaced by T.
Protein change: p.Phe559=; no amino-acid change (phenylalanine 559 retained).
Molecular consequence: synonymous variant.
Genome position (GRCh38, 1-based): chr9:98,849,023, C>T. VCF-style: chr9-98849023-C-T. GRCh37 (hg19) VCF-style: chr9-101611305-C-T.
Identifiers: ClinVar variation 241510 (VCV000241510.23), dbSNP rs112898261, ClinGen allele CA5154342.